The following is an entry in ClinVar:

ClinVar aggregate classification (germline): Uncertain significance (1 of 4 stars; one submission).

Conditions:
BCL11B-related disorder. Also called: BCL11B-Related Disorders.

Submission:

PreventionGenetics, part of Exact Sciences
Classification: Uncertain significance for BCL11B-related condition. Last evaluated: 2023-09-08. Review status: criteria provided, single submitter. Criteria: ACMG Guidelines, 2015. Collection method: clinical testing. Allele origin: germline.
Comment: The BCL11B c.1775_1786dup12 variant is predicted to result in an in-frame duplication (p.Glu592_Pro595dup). To our knowledge, this variant has not been reported in the literature or in a large population database, indicating this variant is rare. At this time, the clinical significance of this variant is uncertain due to the absence of conclusive functional and genetic evidence.

NM_138576.4(BCL11B):c.1988_1999dup (p.Pro666_Gly667insGluProPhePro)

Gene: BCL11B (BCL11 transcription factor B; minus strand). Cytogenetic location: 14q32.2.
Variant type: Duplication.
Coding change: c.1988_1999dup on transcript NM_138576.4 (MANE Select); coding-DNA positions 1988 to 1999, 12 bases duplicated (AGCCCTTCCCCG).
Protein change: p.Pro666_Gly667insGluProPhePro.
Molecular consequence: inframe insertion.
Genome position (GRCh38, 1-based): chr14:99,174,837-99,174,848, CGGGGAAGGGCT duplicated on the plus strand (AGCCCTTCCCCG on the coding strand, the reverse complement: BCL11B is on the minus strand); duplicating any 12 consecutive bases within chr14:99,174,837-99,174,851 gives the same sequence; the c. name uses the placement nearest the transcript's 3' end. VCF-style (leftmost placement, unchanged base first): chr14-99174836-C-CCGGGGAAGGGCT. GRCh37 (hg19) VCF-style: chr14-99641173-C-CCGGGGAAGGGCT.
Other names: c.1985_1996dup, p.Pro665_Gly666insGluProPhePro (NM_001282237.2); c.1772_1783dup, p.Pro594_Gly595insGluProPhePro (NM_001282238.2); c.1775_1786dup, p.Pro595_Gly596insGluProPhePro (NM_022898.3).
Identifiers: ClinVar variation 2631121 (VCV002631121.1), dbSNP rs2503640078, ClinGen allele CA2695197222.